The following is an entry in ClinVar:

NM_015311.3(OBSL1):c.2909G>A (p.Cys970Tyr)

Gene: OBSL1 (obscurin like cytoskeletal adaptor 1; minus strand). Cytogenetic location: 2q35.
Variant type: single nucleotide variant.
Coding change: c.2909G>A on transcript NM_015311.3 (MANE Select); coding-DNA position 2909, G replaced by A.
Protein change: p.Cys970Tyr; replaces cysteine 970 with tyrosine.
Molecular consequence: missense variant.
Genome position (GRCh38, 1-based): chr2:219,562,446, C>T on the plus strand (G>A on the coding strand, the complement: OBSL1 is on the minus strand). VCF-style: chr2-219562446-C-T. GRCh37 (hg19) VCF-style: chr2-220427168-C-T.
Other names: c.2909G>A, p.Cys970Tyr (NM_001173408.2, NM_001173431.2); short protein forms C970Y.
Identifiers: ClinVar variation 1941637 (VCV001941637.3), dbSNP rs2546271770, ClinGen allele CA350743807.

ClinVar aggregate classification (germline): Uncertain significance (1 of 4 stars; one submission).

Allele frequency attached by ClinVar (database versions not stated): gnomAD exomes below 0.00001.

Submission:

Labcorp Genetics (formerly Invitae), Labcorp
Classification: Uncertain significance. Last evaluated: 2022-08-23. Review status: criteria provided, single submitter. Criteria: Invitae Variant Classification Sherloc (09022015). Collection method: clinical testing. Allele origin: germline.
Comment: This sequence change replaces cysteine, which is neutral and slightly polar, with tyrosine, which is neutral and polar, at codon 970 of the OBSL1 protein (p.Cys970Tyr). This variant is not present in population databases (gnomAD no frequency). This variant has not been reported in the literature in individuals affected with OBSL1-related conditions. Algorithms developed to predict the effect of missense changes on protein structure and function are either unavailable or do not agree on the potential impact of this missense change (SIFT: "Deleterious"; PolyPhen-2: "Probably Damaging"; Align-GVGD: "Class C0"). In summary, the available evidence is currently insufficient to determine the role of this variant in disease. Therefore, it has been classified as a Variant of Uncertain Significance.